The following is an entry in ClinVar:

ClinVar aggregate classification (germline): Uncertain significance (1 of 4 stars; one submission).

Conditions:
Progressive sclerosing poliodystrophy (MTDPS4A). Also called: ALPERS PROGRESSIVE INFANTILE POLIODYSTROPHY; NEURONAL DEGENERATION OF CHILDHOOD WITH LIVER DISEASE, PROGRESSIVE; Alpers Syndrome; ALPERS DIFFUSE DEGENERATION OF CEREBRAL GRAY MATTER WITH HEPATIC CIRRHOSIS; Alpers-Huttenlocher Syndrome; Mitochondrial DNA depletion syndrome 4A (Alpers type). Identifiers: Orphanet 726, MedGen C0205710, MONDO:0008758, OMIM 203700.

Submission:

Labcorp Genetics (formerly Invitae), Labcorp
Classification: Uncertain significance for Progressive sclerosing poliodystrophy. Last evaluated: 2024-07-20. Review status: criteria provided, single submitter. Criteria: Invitae Variant Classification Sherloc (09022015). Collection method: clinical testing. Allele origin: germline.
Comment: This sequence change replaces glutamic acid, which is acidic and polar, with glycine, which is neutral and non-polar, at codon 453 of the POLG protein (p.Glu453Gly). This variant is not present in population databases (gnomAD no frequency). This variant has not been reported in the literature in individuals affected with POLG-related conditions. Advanced modeling of protein sequence and biophysical properties (such as structural, functional, and spatial information, amino acid conservation, physicochemical variation, residue mobility, and thermodynamic stability) performed at Invitae indicates that this missense variant is expected to disrupt POLG protein function with a positive predictive value of 95%. In summary, the available evidence is currently insufficient to determine the role of this variant in disease. Therefore, it has been classified as a Variant of Uncertain Significance.

NM_002693.3(POLG):c.1358A>G (p.Glu453Gly)

Gene: POLG (DNA polymerase gamma, catalytic subunit; minus strand). Cytogenetic location: 15q26.1.
Variant type: single nucleotide variant.
Coding change: c.1358A>G on transcript NM_002693.3 (MANE Select); coding-DNA position 1358, A replaced by G.
Protein change: p.Glu453Gly; replaces glutamic acid 453 with glycine.
Molecular consequence: missense variant.
Genome position (GRCh38, 1-based): chr15:89,327,242, T>C on the plus strand (A>G on the coding strand, the complement: POLG is on the minus strand). VCF-style: chr15-89327242-T-C. GRCh37 (hg19) VCF-style: chr15-89870473-T-C.
Other names: c.1358A>G, p.Glu453Gly (NM_001126131.2); short protein forms E453G.
Identifiers: ClinVar variation 3636643 (VCV003636643.2).